The following is an entry in ClinVar:

ClinVar aggregate classification (germline): Uncertain significance. Review status: criteria provided, multiple submitters, no conflicts (2 of 4 stars). 2 submissions from 2 submitters: Uncertain significance (2). Last evaluated 2025-12-10.

Conditions:
Hereditary nonpolyposis colorectal neoplasms. Identifiers: MedGen C0009405, MeSH D003123.
Hereditary cancer-predisposing syndrome. Also called: Neoplastic Syndromes, Hereditary; Hereditary neoplastic syndrome; Tumor predisposition; Hereditary Cancer Syndrome. Identifiers: Orphanet 140162, MedGen C0027672, MeSH D009386, MONDO:0015356.

Submissions (2):

Ambry Genetics
Classification: Uncertain significance for Hereditary cancer-predisposing syndrome. Last evaluated: 2025-12-10. Review status: criteria provided, single submitter. Criteria: Ambry Variant Classification Scheme 2023. Collection method: clinical testing. Allele origin: germline.
Comment: The p.P11S variant (also known as c.31C>T), located in coding exon 2 of the PMS2 gene, results from a C to T substitution at nucleotide position 31. The proline at codon 11 is replaced by serine, an amino acid with similar properties. This amino acid position is conserved. In addition, this alteration is predicted to be tolerated by in silico analysis. Based on the available evidence, the clinical significance of this variant remains unclear.

Labcorp Genetics (formerly Invitae), Labcorp
Classification: Uncertain significance for Hereditary nonpolyposis colorectal neoplasms. Last evaluated: 2020-11-24. Review status: criteria provided, single submitter. Criteria: Invitae Variant Classification Sherloc (09022015). Collection method: clinical testing. Allele origin: germline.
Comment: This sequence change replaces proline with serine at codon 11 of the PMS2 protein (p.Pro11Ser). The proline residue is weakly conserved and there is a moderate physicochemical difference between proline and serine. This variant is not present in population databases (ExAC no frequency). This variant has not been reported in the literature in individuals with PMS2-related conditions. Advanced modeling of protein sequence and biophysical properties (such as structural, functional, and spatial information, amino acid conservation, physicochemical variation, residue mobility, and thermodynamic stability) performed at Invitae indicates that this missense variant is not expected to disrupt PMS2 protein function. In summary, the available evidence is currently insufficient to determine the role of this variant in disease. Therefore, it has been classified as a Variant of Uncertain Significance.

NM_000535.7(PMS2):c.31C>T (p.Pro11Ser)

Gene: PMS2 (PMS1 homolog 2, mismatch repair system component; minus strand). Cytogenetic location: 7p22.1.
Variant type: single nucleotide variant.
Coding change: c.31C>T on transcript NM_000535.7 (MANE Select); coding-DNA position 31, C replaced by T.
Protein change: p.Pro11Ser; replaces proline 11 with serine.
Molecular consequence: missense variant. On other transcripts: 5 prime UTR variant (8), non-coding transcript variant (1), intron variant (3).
Genome position (GRCh38, 1-based): chr7:6,006,024, G>A on the plus strand (C>T on the coding strand, the complement: PMS2 is on the minus strand). VCF-style: chr7-6006024-G-A. GRCh37 (hg19) VCF-style: chr7-6045655-G-A.
Other names: c.-375C>T (NM_001322003.2, NM_001322005.2, NM_001322009.2 and 1 more transcripts); c.31C>T, p.Pro11Ser (NM_001322006.2, NM_001322014.2); c.-185C>T (NM_001322007.2); c.-854C>T (NM_001322011.2, NM_001322012.2); c.-454C>T (NM_001322015.2); c.-52-1966C>T (NM_001322008.2); c.-242-1966C>T (NM_001322010.2, NM_001322004.2); c.31C>T (NM_000535.5); short protein forms P11S.
Identifiers: ClinVar variation 1392730 (VCV001392730.9), dbSNP rs1554306608, ClinGen allele CA366745189.